The following is an entry in ClinVar:

NM_001382430.1(AKT1):c.286C>T (p.Arg96Trp)

Gene: AKT1 (AKT serine/threonine kinase 1; minus strand). Cytogenetic location: 14q32.33.
Variant type: single nucleotide variant.
Coding change: c.286C>T on transcript NM_001382430.1 (MANE Select); coding-DNA position 286, C replaced by T.
Protein change: p.Arg96Trp; replaces arginine 96 with tryptophan.
Molecular consequence: missense variant.
Genome position (GRCh38, 1-based): chr14:104,776,660, G>A on the plus strand (C>T on the coding strand, the complement: AKT1 is on the minus strand). VCF-style: chr14-104776660-G-A. GRCh37 (hg19) VCF-style: chr14-105242997-G-A.
Other names: c.286C>T, p.Arg96Trp (NM_001014431.2, NM_001014432.2, NM_001382431.1 and 3 more transcripts); short protein forms R96W.
Identifiers: ClinVar variation 2725156 (VCV002725156.3), dbSNP rs760536822, ClinGen allele CA267350741.

ClinVar aggregate classification (germline): Uncertain significance (1 of 4 stars; one submission).

Conditions:
Cowden syndrome 6 (CWS6). Identifiers: Orphanet 201, MedGen C3554519, MONDO:0014048, OMIM 615109.

Allele frequency attached by ClinVar (database versions not stated): gnomAD exomes below 0.00001; TOPMed below 0.00001.

Submission:

Labcorp Genetics (formerly Invitae), Labcorp
Classification: Uncertain significance for Cowden syndrome 6. Last evaluated: 2022-12-31. Review status: criteria provided, single submitter. Criteria: Invitae Variant Classification Sherloc (09022015). Collection method: clinical testing. Allele origin: germline.
Comment: This variant has not been reported in the literature in individuals affected with AKT1-related conditions. This variant is not present in population databases (gnomAD no frequency). This sequence change replaces arginine, which is basic and polar, with tryptophan, which is neutral and slightly polar, at codon 96 of the AKT1 protein (p.Arg96Trp). Algorithms developed to predict the effect of missense changes on protein structure and function are either unavailable or do not agree on the potential impact of this missense change (SIFT: "Deleterious"; PolyPhen-2: "Benign"; Align-GVGD: "Class C15"). In summary, the available evidence is currently insufficient to determine the role of this variant in disease. Therefore, it has been classified as a Variant of Uncertain Significance. Experimental studies have shown that this missense change does not substantially affect AKT1 function (PMID: 23134728).

Literature cited by the submitters: PubMed 23134728.